The following is an entry in ClinVar:

NM_001060.6(TBXA2R):c.*817C>T

Gene: TBXA2R (thromboxane A2 receptor; minus strand). Cytogenetic location: 19p13.3.
Variant type: single nucleotide variant.
Coding change: c.*817C>T on transcript NM_001060.6 (MANE Select); 817 bases downstream of the stop codon, C replaced by T.
Molecular consequence: 3 prime UTR variant. On other transcripts: missense variant (1).
Genome position (GRCh38, 1-based): chr19:3,594,871, G>A on the plus strand (C>T on the coding strand, the complement: TBXA2R is on the minus strand). VCF-style: chr19-3594871-G-A. GRCh37 (hg19) VCF-style: chr19-3594869-G-A.
Other names: c.1189C>T, p.Pro397Ser (NM_201636.3); short protein forms P397S.
Identifiers: ClinVar variation 3339240 (VCV003339240.1).

ClinVar aggregate classification (germline): Uncertain significance (1 of 4 stars; one submission).

gnomAD v4.1: 9 of 1,536,786 alleles (0.00059%); highest among the groups gnomAD compares: Admixed American, 0.014%; no homozygotes.

Submission:

Women's Health and Genetics/Laboratory Corporation of America, LabCorp
Classification: Uncertain significance. Last evaluated: 2024-07-30. Review status: criteria provided, single submitter. Criteria: LabCorp Variant Classification Summary - May 2015. Collection method: clinical testing. Allele origin: germline.
Comment: Variant summary: TBXA2R c.*817C>T is located in the untranslated mRNA region downstream of the termination codon. The variant allele was found at a frequency of 4.2e-05 in 144220 control chromosomes. The available data on variant occurrences in the general population are insufficient to allow any conclusion about variant significance. To our knowledge, no occurrence of c.*817C>T in individuals affected with Bleeding Diathesis Due To Thromboxane Synthesis Deficiency and no experimental evidence demonstrating its impact on protein function have been reported. No submitters have cited clinical-significance assessments for this variant to ClinVar. Based on the evidence outlined above, the variant was classified as uncertain significance.